The following is an entry in ClinVar:

NM_001197104.2(KMT2A):c.3725A>G (p.Gln1242Arg)

Gene: KMT2A (lysine methyltransferase 2A; plus strand). Cytogenetic location: 11q23.3.
Variant type: single nucleotide variant.
Coding change: c.3725A>G on transcript NM_001197104.2 (MANE Select); coding-DNA position 3725, A replaced by G.
Protein change: p.Gln1242Arg; replaces glutamine 1242 with arginine.
Molecular consequence: missense variant.
Genome position (GRCh38, 1-based): chr11:118,481,805, A>G. VCF-style: chr11-118481805-A-G. GRCh37 (hg19) VCF-style: chr11-118352520-A-G.
Other names: c.3824A>G, p.Gln1275Arg (NM_001412597.1); c.3725A>G, p.Gln1242Arg (NM_005933.4); short protein forms Q1242R, Q1275R.
Identifiers: ClinVar variation 3361316 (VCV003361316.1).

ClinVar aggregate classification (germline): Uncertain significance (1 of 4 stars; one submission).

gnomAD v4.1: 1 of 1,614,242 alleles (0.000062%); highest among the groups gnomAD compares: Middle Eastern, 0.016%; no homozygotes.

Submission:

GeneDx
Classification: Uncertain significance. Last evaluated: 2023-07-26. Review status: criteria provided, single submitter. Criteria: GeneDx Variant Classification Process June 2021. Collection method: clinical testing. Allele origin: germline. Affected: yes.
Comment: Not observed at significant frequency in large population cohorts (gnomAD); In silico analysis supports that this missense variant does not alter protein structure/function; Has not been previously published as pathogenic or benign to our knowledge.